The following is an entry in ClinVar:

ClinVar aggregate classification (germline): Likely benign (1 of 4 stars; one submission).

Conditions:
NPHP1-related disorder. Also called: NPHP1-related disorders; NPHP1-related condition.

Submission:

PreventionGenetics, part of Exact Sciences
Classification: Likely benign for NPHP1-related condition. Last evaluated: 2026-08-24. Review status: criteria provided, single submitter. Criteria: ACMG Guidelines, 2015. Collection method: clinical testing. Allele origin: germline.
Comment: This variant is classified as likely benign based on ACMG/AMP sequence variant interpretation guidelines (Richards et al. 2015 PMID: 25741868, with internal and published modifications).

NM_001128178.3(NPHP1):c.942T>C (p.Ala314=)

Gene: NPHP1 (nephrocystin 1; minus strand). Cytogenetic location: 2q13.
Variant type: single nucleotide variant.
Coding change: c.942T>C on transcript NM_001128178.3 (MANE Select); coding-DNA position 942, T replaced by C.
Protein change: p.Ala314=; no amino-acid change (alanine 314 retained).
Molecular consequence: synonymous variant.
Genome position (GRCh38, 1-based): chr2:110,161,615, A>G on the plus strand (T>C on the coding strand, the complement: NPHP1 is on the minus strand). VCF-style: chr2-110161615-A-G. GRCh37 (hg19) VCF-style: chr2-110919192-A-G.
Other names: c.1110T>C, p.Ala370= (NM_000272.5); c.753T>C, p.Ala251= (NM_001128179.3); c.939T>C, p.Ala313= (NM_001374256.1); c.942T>C, p.Ala314= (NM_001374257.1); c.1107T>C, p.Ala369= (NM_207181.4).
Identifiers: ClinVar variation 4991031 (VCV004991031.1).